The following is an entry in ClinVar:

NM_000152.5(GAA):c.743T>C (p.Leu248Pro)

Gene: GAA (alpha glucosidase; plus strand). Cytogenetic location: 17q25.3.
Variant type: single nucleotide variant.
Coding change: c.743T>C on transcript NM_000152.5 (MANE Select); coding-DNA position 743, T replaced by C.
Protein change: p.Leu248Pro; replaces leucine 248 with proline.
Molecular consequence: missense variant.
Genome position (GRCh38, 1-based): chr17:80,107,607, T>C. VCF-style: chr17-80107607-T-C. GRCh37 (hg19) VCF-style: chr17-78081406-T-C.
Other names: c.743T>C (NM_000152.4); c.743T>C, p.Leu248Pro (NM_001079803.3, NM_001079804.3); short protein forms L248P.
Identifiers: ClinVar variation 972791 (VCV000972791.11), dbSNP rs1443844938, ClinGen allele CA401363263.

ClinVar aggregate classification (germline): Likely pathogenic. Review status: criteria provided, multiple submitters, no conflicts (2 of 4 stars). 5 submissions from 5 submitters: Likely pathogenic (5). Last evaluated 2026-07-01.

Conditions:
Glycogen storage disease, type II (IOPD). Also called: Glucosidase acid-1,4-alpha deficiency; Pompe Disease; CARDIOMEGALIA GLYCOGENICA DIFFUSA; GLYCOGENOSIS, GENERALIZED, CARDIAC FORM; GSD II; POMPE DISEASE, INFANTILE-ONSET. Identifiers: Orphanet 365, MedGen C0017921, MONDO:0009290, OMIM 232300.

Allele frequency attached by ClinVar (database versions not stated): gnomAD exomes below 0.00001; gnomAD 0.00001.
gnomAD v4.1: 5 of 1,613,118 alleles (0.00031%); highest among the groups gnomAD compares: Non-Finnish European, 0.00042%; no homozygotes.

Submissions (5):

Genomenon, Inc
Classification: Likely pathogenic for Glycogen storage disease, type II. Last evaluated: 2026-07-01. Review status: criteria provided, single submitter. Criteria: Genomenon Sequence Variant Interpretation Standards - Updated. Collection method: curation. Allele origin: germline. Affected: yes.
Comment: GAA p.Leu248Pro (c.743T>C) is a missense variant that changes the amino acid at codon 248 from Leucine to Proline. This variant has been observed in at least one proband with a GAA-related disorder in the compound heterozygous and/or homozygous state (PMID:27858622). At least one functional study has demonstrated a substantial alteration in protein function relative to the wild-type (PMID:18425781). It is absent or not present at a significant frequency in gnomAD. In silico models predict that this variant is possibly or probably damaging. In conclusion, we classify GAA p.Leu248Pro (c.743T>C) as a likely pathogenic variant.

Women's Health and Genetics/Laboratory Corporation of America, LabCorp
Classification: Likely pathogenic for Glycogen storage disease, type II. Last evaluated: 2022-05-31. Review status: criteria provided, single submitter. Criteria: LabCorp Variant Classification Summary - May 2015. Collection method: clinical testing. Allele origin: germline.
Comment: Variant summary: GAA c.743T>C (p.Leu248Pro) results in a non-conservative amino acid change located in the Galactose mutarotase, N-terminal barrel domain (IPR031727) of the encoded protein sequence. Five of five in-silico tools predict a damaging effect of the variant on protein function. The variant allele was found at a frequency of 4e-06 in 251170 control chromosomes. c.743T>C has been reported in the literature in at-least two individuals, one of whom has a non-informative genotype (no second allele specified) (example, Kroos_2008) while the other is an adult with compound heterozygous genotype and late onset Pompe disease (example, Mori_2017). It has also been listed as having an unknown clinical severity rating in the Pompe variant database update (Nino_2019). These data indicate that the variant may be associated with disease. At least one publication reports experimental evidence evaluating an impact on protein function in-vitro. The most pronounced variant effect results in 18% of normal acid alpha-glucosidase activity in cells while reporting 0% of normal activity in the medium (Kroos_2008). Two clinical diagnostic laboratories have submitted clinical-significance assessments for this variant to ClinVar after 2014 without evidence for independent evaluation. All laboratories classified the variant as likely pathogenic. Based on the evidence outlined above, the variant was classified as likely pathogenic.

Fulgent Genetics
Classification: Likely pathogenic for Glycogen storage disease, type II. Last evaluated: 2021-11-24. Review status: criteria provided, single submitter. Criteria: ACMG Guidelines, 2015. Collection method: clinical testing. Allele origin: unknown.

Revvity Omics, Revvity
Classification: Likely pathogenic. Last evaluated: 2021-08-10. Review status: criteria provided, single submitter. Criteria: ACMG Guidelines, 2015. Collection method: clinical testing. Allele origin: germline.

Broad Center for Mendelian Genomics, Broad Institute of MIT and Harvard
Classification: Likely pathogenic for Glycogen storage disease, type II. Last evaluated: 2020-01-22. Review status: criteria provided, single submitter. Criteria: ACMG Guidelines, 2015. Collection method: curation. Allele origin: germline. Inheritance: Autosomal recessive inheritance.
Comment: The p.Leu248Pro variant in GAA has been reported in three individuals with glycogen storage disease II (PMID: 18425781, 29122469), and has been identified in 0.002% (2/128914) of European (non-Finnish) chromosomes by the Genome Aggregation Database (gnomAD; dbSNP rs1443844938). Although this variant has been seen in the general population, its frequency is low enough to be consistent with a recessive carrier frequency. In vitro functional studies using COS cells transfected with the variant provide some evidence that the p.Leu248Pro variant may impact protein function (PMID: 18425781). However, these types of assays may not accurately represent biological function. Computational prediction tools and conservation analyses suggest that this variant may impact the protein, though this information is not predictive enough to determine pathogenicity. Additionally, this variant has been reported in combination with a reported pathogenic variant in an individual with glycogen storage disease II (VariationID: 4027; PMID 29122469). In summary, although additional studies are required to fully establish its clinical significance, this variant is likely pathogenic. ACMG/AMP Criteria applied: PS3, PM2, PP3 (Richards 2015).

Literature cited by the submitters: PubMed 27858622 (cited by Genomenon, Inc); PubMed 18425781 (cited by 3 submitters); PubMed 29122469 (cited by Women's Health and Genetics/Laboratory Corporation of America, LabCorp); PubMed 29061980 (cited by Women's Health and Genetics/Laboratory Corporation of America, LabCorp); PubMed 31254424 (cited by Women's Health and Genetics/Laboratory Corporation of America, LabCorp).